The following is an entry in ClinVar:

NM_201384.3(PLEC):c.5093G>A (p.Arg1698Gln)

Gene: PLEC (plectin; minus strand). Cytogenetic location: 8q24.3.
Variant type: single nucleotide variant.
Coding change: c.5093G>A on transcript NM_201384.3 (MANE Select); coding-DNA position 5093, G replaced by A.
Protein change: p.Arg1698Gln; replaces arginine 1698 with glutamine.
Molecular consequence: missense variant.
Genome position (GRCh38, 1-based): chr8:143,924,836, C>T on the plus strand (G>A on the coding strand, the complement: PLEC is on the minus strand). VCF-style: chr8-143924836-C-T. GRCh37 (hg19) VCF-style: chr8-144999004-C-T.
Other names: c.5174G>A, p.Arg1725Gln (NM_000445.5); c.5051G>A, p.Arg1684Gln (NM_201378.4); c.5027G>A, p.Arg1676Gln (NM_201379.3); c.5504G>A, p.Arg1835Gln (NM_201380.4); c.4997G>A, p.Arg1666Gln (NM_201381.3); c.5093G>A, p.Arg1698Gln (NM_201382.4); c.5105G>A, p.Arg1702Gln (NM_201383.3); c.5174G>A (NM_000445.3); short protein forms R1666Q, R1676Q, R1684Q, R1698Q, R1702Q, R1725Q, R1835Q.
Identifiers: ClinVar variation 1163308 (VCV001163308.11), dbSNP rs782361396, ClinGen allele CA4926435.

ClinVar aggregate classification (germline): Uncertain significance. Review status: criteria provided, multiple submitters, no conflicts (2 of 4 stars). 4 submissions from 4 submitters: Uncertain significance (4). Last evaluated 2025-10-14.

Conditions:
Epidermolysis bullosa simplex 5B, with muscular dystrophy (EBS5B). Also called: Epidermolysis bullosa simplex with muscular dystrophy; EPIDERMOLYSIS BULLOSA SIMPLEX AND LIMB-GIRDLE MUSCULAR DYSTROPHY. Identifiers: Orphanet 257, MedGen C2931072, MONDO:0009181, OMIM 226670.
Epidermolysis bullosa simplex with nail dystrophy (EBS5D). Identifiers: MedGen C4225309, MONDO:0014661, OMIM 616487.
Epidermolysis bullosa simplex 5C, with pyloric atresia (EBS5C). Also called: Epidermolysis bullosa simplex with pyloric atresia; PLEC-Related Epidermolysis Bullosa with Pyloric Atresia; PLEC1-Related Epidermolysis Bullosa with Pyloric Atresia. Identifiers: Orphanet 158684, MedGen C2677349, MONDO:0012807, OMIM 612138.
Epidermolysis bullosa simplex, Ogna type (EBS5A). Also called: EPIDERMOLYSIS BULLOSA SIMPLEX 5A, OGNA TYPE; Pidermolysis bullosa simplex 5A, Ogna type. Identifiers: Orphanet 79401, MedGen C0432317, MONDO:0007555, OMIM 131950.
Autosomal recessive limb-girdle muscular dystrophy type 2Q (LGMDR17). Also called: MUSCULAR DYSTROPHY, LIMB-GIRDLE, AUTOSOMAL RECESSIVE 17. Identifiers: Orphanet 254361, MedGen C3150989, MONDO:0013390, OMIM 613723.
Inborn genetic diseases. Identifiers: MedGen C0950123, MeSH D030342.

Allele frequency attached by ClinVar (database versions not stated): gnomAD 0.00001; gnomAD exomes 0.00002 and 0.00003; TOPMed 0.00003; ExAC 0.00009.
gnomAD v4.1: 31 of 1,571,050 alleles (0.002%); highest among the groups gnomAD compares: South Asian, 0.0034%; no homozygotes.

Submissions (4):

Ambry Genetics
Classification: Uncertain significance for Inborn genetic diseases. Last evaluated: 2025-10-14. Review status: criteria provided, single submitter. Criteria: Ambry Variant Classification Scheme 2023. Collection method: clinical testing. Allele origin: germline.

Labcorp Genetics (formerly Invitae), Labcorp
Classification: Uncertain significance for Autosomal recessive limb-girdle muscular dystrophy type 2Q; Epidermolysis bullosa simplex, Ogna type; Epidermolysis bullosa simplex with nail dystrophy; Epidermolysis bullosa simplex 5C, with pyloric atresia; Epidermolysis bullosa simplex 5B, with muscular dystrophy. Last evaluated: 2025-07-29. Review status: criteria provided, single submitter. Criteria: Invitae Variant Classification Sherloc (09022015). Collection method: clinical testing. Allele origin: germline.
Comment: This sequence change replaces arginine, which is basic and polar, with glutamine, which is neutral and polar, at codon 1725 of the PLEC protein (p.Arg1725Gln). This variant is present in population databases (rs782361396, gnomAD 0.006%). This variant has not been reported in the literature in individuals affected with PLEC-related conditions. ClinVar contains an entry for this variant (Variation ID: 1163308). Experimental studies and prediction algorithms are not available or were not evaluated, and the functional significance of this variant is currently unknown. In summary, the available evidence is currently insufficient to determine the role of this variant in disease. Therefore, it has been classified as a Variant of Uncertain Significance.

Revvity Omics, Revvity
Classification: Uncertain significance. Last evaluated: 2025-05-13. Review status: criteria provided, single submitter. Criteria: ACMG Guidelines, 2015. Collection method: clinical testing. Allele origin: germline.

Mayo Clinic Laboratories, Mayo Clinic
Classification: Uncertain significance. Last evaluated: 2019-12-26. Review status: criteria provided, single submitter. Criteria: ACMG Guidelines, 2015. Collection method: clinical testing. Allele origin: germline. Observed: 1 variant allele.